The following is an entry in ClinVar:

ClinVar aggregate classification (germline): Uncertain significance (1 of 4 stars; one submission).

Conditions:
Inborn genetic diseases. Identifiers: MedGen C0950123, MeSH D030342.

Submission:

Ambry Genetics
Classification: Uncertain significance for Inborn genetic diseases. Last evaluated: 2026-05-19. Review status: criteria provided, single submitter. Criteria: Ambry Variant Classification Scheme 2023. Collection method: clinical testing. Allele origin: germline.
Comment: The p.K317R variant (also known as c.950A>G), located in coding exon 11 of the FANCA gene, results from an A to G substitution at nucleotide position 950. The lysine at codon 317 is replaced by arginine, an amino acid with highly similar properties. This amino acid position is conserved. In addition, this alteration is predicted to be tolerated by in silico analysis. Based on the available evidence, the clinical significance of this variant remains unclear.

NM_000135.4(FANCA):c.950A>G (p.Lys317Arg)

Gene: FANCA (FA complementation group A; minus strand). Cytogenetic location: 16q24.3.
Variant type: single nucleotide variant.
Coding change: c.950A>G on transcript NM_000135.4 (MANE Select); coding-DNA position 950, A replaced by G.
Protein change: p.Lys317Arg; replaces lysine 317 with arginine.
Molecular consequence: missense variant.
Genome position (GRCh38, 1-based): chr16:89,795,962, T>C on the plus strand (A>G on the coding strand, the complement: FANCA is on the minus strand). VCF-style: chr16-89795962-T-C. GRCh37 (hg19) VCF-style: chr16-89862370-T-C.
Other names: c.950A>G, p.Lys317Arg (NM_001286167.3); short protein forms K317R.
Identifiers: ClinVar variation 4870882 (VCV004870882.1).